The following is an entry in ClinVar:

NM_000318.3(PEX2):c.226G>T (p.Val76Leu)

Gene: PEX2 (peroxisomal biogenesis factor 2; minus strand). Cytogenetic location: 8q21.13.
Variant type: single nucleotide variant.
Coding change: c.226G>T on transcript NM_000318.3 (MANE Select); coding-DNA position 226, G replaced by T.
Protein change: p.Val76Leu; replaces valine 76 with leucine.
Molecular consequence: missense variant.
Genome position (GRCh38, 1-based): chr8:76,983,953, C>A on the plus strand (G>T on the coding strand, the complement: PEX2 is on the minus strand). VCF-style: chr8-76983953-C-A. GRCh37 (hg19) VCF-style: chr8-77896189-C-A.
Other names: c.226G>T, p.Val76Leu (NM_001079867.2, NM_001172086.2, NM_001172087.2); short protein forms V76L.
Identifiers: ClinVar variation 1493643 (VCV001493643.5), dbSNP rs1429397131, ClinGen allele CA371557818.

ClinVar aggregate classification (germline): Uncertain significance (1 of 4 stars; one submission).

Conditions:
Peroxisome biogenesis disorder 5A (Zellweger) (PBD5A). Identifiers: Orphanet 912, MedGen C3553940, MONDO:0013932, OMIM 614866.

Allele frequency attached by ClinVar (database versions not stated): gnomAD exomes below 0.00001; gnomAD 0.00001; TOPMed 0.00002.
gnomAD v4.1: 3 of 1,614,050 alleles (0.00019%); highest among the groups gnomAD compares: Non-Finnish European, 0.00025%; no homozygotes.

Submission:

Labcorp Genetics (formerly Invitae), Labcorp
Classification: Uncertain significance for Peroxisome biogenesis disorder 5A (Zellweger). Last evaluated: 2021-12-02. Review status: criteria provided, single submitter. Criteria: Invitae Variant Classification Sherloc (09022015). Collection method: clinical testing. Allele origin: germline.
Comment: This sequence change replaces valine, which is neutral and non-polar, with leucine, which is neutral and non-polar, at codon 76 of the PEX2 protein (p.Val76Leu). This variant is not present in population databases (gnomAD no frequency). This variant has not been reported in the literature in individuals affected with PEX2-related conditions. Algorithms developed to predict the effect of missense changes on protein structure and function (SIFT, PolyPhen-2, Align-GVGD) all suggest that this variant is likely to be tolerated. In summary, the available evidence is currently insufficient to determine the role of this variant in disease. Therefore, it has been classified as a Variant of Uncertain Significance.